The following is an entry in ClinVar:

ClinVar aggregate classification (germline): Benign/Likely benign. Review status: criteria provided, multiple submitters, no conflicts (2 of 4 stars). 5 submissions from 5 submitters: Benign (1); Likely benign (2). 2 of the submissions do not count toward it. Last evaluated 2025-12-24.

Conditions:
Duchenne muscular dystrophy (DMD). Also called: Duchenne Muscular Dystrophy (DMD); MUSCULAR DYSTROPHY, PSEUDOHYPERTROPHIC PROGRESSIVE, DUCHENNE TYPE. Identifiers: Orphanet 98896, MedGen C0013264, MONDO:0010679, OMIM 310200.

Allele frequency attached by ClinVar (database versions not stated): TOPMed 0.00010; gnomAD 0.00009.
gnomAD v4.1: 110 of 1,201,195 alleles (0.0092%); highest among the groups gnomAD compares: Non-Finnish European, 0.012%; no homozygotes.

Submissions (5):

Labcorp Genetics (formerly Invitae), Labcorp
Classification: Benign for Duchenne muscular dystrophy. Last evaluated: 2025-12-24. Review status: criteria provided, single submitter. Criteria: Invitae Variant Classification Sherloc (09022015). Collection method: clinical testing. Allele origin: germline.

Women's Health and Genetics/Laboratory Corporation of America, LabCorp
Classification: Likely benign. Last evaluated: 2024-11-11. Review status: criteria provided, single submitter. Criteria: LabCorp Variant Classification Summary - May 2015. Collection method: clinical testing. Allele origin: germline.
Comment: Variant summary: DMD c.8027+13T>G alters a conserved nucleotide located at a position not widely known to affect splicing. Consensus agreement among computation tools predict no significant impact on normal splicing. However, these predictions have yet to be confirmed by functional studies. The variant allele was found at a frequency of 3.8e-05 in 182442 control chromosomes. The available data on variant occurrences in the general population are insufficient to allow any conclusion about variant significance. To our knowledge, no occurrence of c.8027+13T>G in individuals affected with Dystrophinopathies and no experimental evidence demonstrating its impact on protein function have been reported. ClinVar contains an entry for this variant (Variation ID: 517851). Based on the evidence outlined above, the variant was classified as likely benign.

GeneDx
Classification: Likely benign. Last evaluated: 2017-04-10. Review status: criteria provided, single submitter. Criteria: GeneDx Variant Classification (06012015). Collection method: clinical testing. Allele origin: germline. Affected: yes.
Comment: This variant is considered likely benign or benign based on one or more of the following criteria: it is a conservative change, it occurs at a poorly conserved position in the protein, it is predicted to be benign by multiple in silico algorithms, and/or has population frequency not consistent with disease.

Diagnostic Laboratory, Department of Genetics, University Medical Center Groningen
Classification: Likely benign. Review status: no assertion criteria provided. Collection method: clinical testing. Allele origin: germline. Affected: yes. Study: VKGL Data-share Consensus. Not counted in ClinVar's aggregate classification.

Genome Diagnostics Laboratory, University Medical Center Utrecht
Classification: Likely benign. Review status: no assertion criteria provided. Collection method: clinical testing. Allele origin: germline. Affected: yes. Study: VKGL Data-share Consensus. Not counted in ClinVar's aggregate classification.

NM_004006.3(DMD):c.8027+13T>G

Gene: DMD (dystrophin; minus strand). Cytogenetic location: Xp21.1.
Variant type: single nucleotide variant.
Coding change: c.8027+13T>G on transcript NM_004006.3 (MANE Select); 13 bases into the intron after coding-DNA position 8027, T replaced by G.
Molecular consequence: intron variant.
Genome position (GRCh38, 1-based): chrX:31,657,977, A>C on the plus strand (T>G on the coding strand, the complement: DMD is on the minus strand). VCF-style: chrX-31657977-A-C. GRCh37 (hg19) VCF-style: chrX-31676094-A-C.
Other names: c.8003+13T>G (NM_000109.4); c.4004+13T>G (NM_004011.4); c.3995+13T>G (NM_004012.4); c.647+13T>G (NM_004023.3, NM_004020.4, NM_004022.3 and 2 more transcripts); c.8015+13T>G (NM_004009.3); c.7658+13T>G (NM_004010.3).
Identifiers: ClinVar variation 517851 (VCV000517851.14), dbSNP rs772027445, ClinGen allele CA10378166.